The following is an entry in ClinVar:

ClinVar aggregate classification (germline): Uncertain significance. Review status: criteria provided, multiple submitters, no conflicts (2 of 4 stars). 2 submissions from 2 submitters: Uncertain significance (2). Last evaluated 2023-04-24.

Conditions:
Hereditary cancer-predisposing syndrome. Also called: Tumor predisposition; Neoplastic Syndromes, Hereditary; Hereditary Cancer Syndrome; Hereditary neoplastic syndrome. Identifiers: Orphanet 140162, MedGen C0027672, MeSH D009386, MONDO:0015356.

Submissions (2):

Color Diagnostics, LLC DBA Color Health
Classification: Uncertain significance for Hereditary cancer-predisposing syndrome. Last evaluated: 2023-04-24. Review status: criteria provided, single submitter. Criteria: ACMG Guidelines, 2015. Collection method: clinical testing. Allele origin: germline.
Comment: This missense variant replaces proline with serine at codon 2029 of the ATM protein. Computational prediction suggests that this variant may not impact protein structure and function (internally defined REVEL score threshold <= 0.5, PMID: 27666373). To our knowledge, functional studies have not been reported for this variant. This variant has not been reported in individuals affected with ATM-related disorders in the literature. This variant has not been identified in the general population by the Genome Aggregation Database (gnomAD). The available evidence is insufficient to determine the role of this variant in disease conclusively. Therefore, this variant is classified as a Variant of Uncertain Significance.

Blueprint Genetics
Classification: Uncertain significance. Last evaluated: 2022-03-30. Review status: criteria provided, single submitter. Criteria: ACMG Guidelines, 2015. Collection method: clinical testing. Allele origin: germline.

NM_000051.4(ATM):c.6085C>T (p.Pro2029Ser)

Genes: ATM (ATM serine/threonine kinase; plus strand), C11orf65 (chromosome 11 open reading frame 65; minus strand). Cytogenetic location: 11q22.3.
Variant type: single nucleotide variant.
Coding change: c.6085C>T on transcript NM_000051.4 (MANE Select); coding-DNA position 6085, C replaced by T.
Protein change: p.Pro2029Ser; replaces proline 2029 with serine.
Molecular consequence: missense variant. On other transcripts: intron variant (2).
Genome position (GRCh38, 1-based): chr11:108,315,901, C>T. VCF-style: chr11-108315901-C-T. GRCh37 (hg19) VCF-style: chr11-108186628-C-T.
Other names: c.6085C>T, p.Pro2029Ser (NM_001351834.2); c.641-6830G>A (NM_001330368.2); c.*39-6830G>A (NM_001351110.2); short protein forms P2029S.
Identifiers: ClinVar variation 1332662 (VCV001332662.6), dbSNP rs2136121608, ClinGen allele CA382550179.